The following is an entry in ClinVar:

NM_000136.3(FANCC):c.1551G>C (p.Glu517Asp)

Genes: AOPEP (aminopeptidase O (putative); plus strand), FANCC (FA complementation group C; minus strand). Cytogenetic location: 9q22.32.
Variant type: single nucleotide variant.
Coding change: c.1551G>C on transcript NM_000136.3 (MANE Select); coding-DNA position 1551, G replaced by C.
Protein change: p.Glu517Asp; replaces glutamic acid 517 with aspartic acid.
Molecular consequence: missense variant.
Genome position (GRCh38, 1-based): chr9:95,101,833, C>G on the plus strand (G>C on the coding strand, the complement: FANCC is on the minus strand). VCF-style: chr9-95101833-C-G. GRCh37 (hg19) VCF-style: chr9-97864115-C-G.
Other names: c.1551G>C, p.Glu517Asp (NM_001243743.2); short protein forms E517D.
Identifiers: ClinVar variation 1399718 (VCV001399718.11), dbSNP rs1588008452, ClinGen allele CA374104797.
Genomic context (GRCh38, chr9:95,101,833, plus strand): 5'-GCCAAGACGATTCCATCTGTACAAGGTCTGGTCAAGAAAGCCAATGATCTCGTGAGTTAT[C>G]TCAGCAGTGTGAGCCATCTGCAATCAGGACAGAAGAGAAGGCAAATTAAAACACTTTCCA-3'
Protein context (NP_000127.2, residues 507-527): DVITLMAHTA[Glu517Asp]ITHEIIGFLD

ClinVar aggregate classification (germline): Uncertain significance. Review status: criteria provided, multiple submitters, no conflicts (2 of 4 stars). 2 submissions from 2 submitters: Uncertain significance (2). Last evaluated 2025-04-08.

Conditions:
Fanconi anemia (FA). Also called: Fanconi's anemia. Identifiers: Orphanet 84, MedGen C0015625, MeSH D005199, MONDO:0019391.
Hereditary cancer-predisposing syndrome. Also called: Hereditary Cancer Syndrome; Hereditary neoplastic syndrome; Tumor predisposition; Neoplastic Syndromes, Hereditary. Identifiers: Orphanet 140162, MedGen C0027672, MeSH D009386, MONDO:0015356.

Submissions (2):

Labcorp Genetics (formerly Invitae), Labcorp
Classification: Uncertain significance for Fanconi anemia. Last evaluated: 2025-04-08. Review status: criteria provided, single submitter. Criteria: Invitae Variant Classification Sherloc (09022015). Collection method: clinical testing. Allele origin: germline.
Comment: This sequence change replaces glutamic acid, which is acidic and polar, with aspartic acid, which is acidic and polar, at codon 517 of the FANCC protein (p.Glu517Asp). This variant is not present in population databases (gnomAD no frequency). This variant has not been reported in the literature in individuals affected with FANCC-related conditions. ClinVar contains an entry for this variant (Variation ID: 1399718). Invitae Evidence Modeling of protein sequence and biophysical properties (such as structural, functional, and spatial information, amino acid conservation, physicochemical variation, residue mobility, and thermodynamic stability) indicates that this missense variant is not expected to disrupt FANCC protein function with a negative predictive value of 80%. In summary, the available evidence is currently insufficient to determine the role of this variant in disease. Therefore, it has been classified as a Variant of Uncertain Significance.

Ambry Genetics
Classification: Uncertain significance for Hereditary cancer-predisposing syndrome. Last evaluated: 2024-06-01. Review status: criteria provided, single submitter. Criteria: Ambry Variant Classification Scheme 2023. Collection method: clinical testing. Allele origin: germline.
Comment: The p.E517D variant (also known as c.1551G>C), located in coding exon 14 of the FANCC gene, results from a G to C substitution at nucleotide position 1551. The glutamic acid at codon 517 is replaced by aspartic acid, an amino acid with highly similar properties. This amino acid position is conserved. In addition, this alteration is predicted to be tolerated by in silico analysis. Since supporting evidence is limited at this time, the clinical significance of this alteration remains unclear.